The following is an entry in ClinVar:

NM_001330700.2(TOP2B):c.3785A>C (p.Lys1262Thr)

Gene: TOP2B (DNA topoisomerase II beta; minus strand). Cytogenetic location: 3p24.2.
Variant type: single nucleotide variant.
Coding change: c.3785A>C on transcript NM_001330700.2 (MANE Select); coding-DNA position 3785, A replaced by C.
Protein change: p.Lys1262Thr; replaces lysine 1262 with threonine.
Molecular consequence: missense variant.
Genome position (GRCh38, 1-based): chr3:25,612,516, T>G on the plus strand (A>C on the coding strand, the complement: TOP2B is on the minus strand). VCF-style: chr3-25612516-T-G. GRCh37 (hg19) VCF-style: chr3-25654007-T-G.
Other names: c.3770A>C, p.Lys1257Thr (NM_001068.3); short protein forms K1257T, K1262T.
Identifiers: ClinVar variation 2731318 (VCV002731318.3), dbSNP rs771122264, ClinGen allele CA351894622.

ClinVar aggregate classification (germline): Uncertain significance (1 of 4 stars; one submission).

Submission:

Labcorp Genetics (formerly Invitae), Labcorp
Classification: Uncertain significance. Last evaluated: 2023-06-28. Review status: criteria provided, single submitter. Criteria: Invitae Variant Classification Sherloc (09022015). Collection method: clinical testing. Allele origin: germline.
Comment: In summary, the available evidence is currently insufficient to determine the role of this variant in disease. Therefore, it has been classified as a Variant of Uncertain Significance. An algorithm developed to predict the effect of missense changes on protein structure and function (PolyPhen-2) suggests that this variant is likely to be tolerated. This variant has not been reported in the literature in individuals affected with TOP2B-related conditions. This variant is not present in population databases (gnomAD no frequency). This sequence change replaces lysine, which is basic and polar, with threonine, which is neutral and polar, at codon 1257 of the TOP2B protein (p.Lys1257Thr).